The following is an entry in ClinVar:

ClinVar aggregate classification (germline): Pathogenic (1 of 4 stars; one submission).

Conditions:
Curry-Hall syndrome (WAD). Also called: WEYERS ACRODENTAL DYSOSTOSIS. Identifiers: Orphanet 952, MedGen C0457013, MONDO:0008673, OMIM 193530.
Ellis-van Creveld syndrome (EVC). Also called: EVC-Related Ellis-van Creveld Syndrome; EVC2-Related Ellis-van Creveld Syndrome; MESOECTODERMAL DYSPLASIA; Chondroectodermal dysplasia. Identifiers: Orphanet 289, MedGen C0013903, MONDO:0009162, OMIM 225500.

Submission:

Labcorp Genetics (formerly Invitae), Labcorp
Classification: Pathogenic for Curry-Hall syndrome; Ellis-van Creveld syndrome. Last evaluated: 2024-01-31. Review status: criteria provided, single submitter. Criteria: Invitae Variant Classification Sherloc (09022015). Collection method: clinical testing. Allele origin: germline.
Comment: This sequence change creates a premature translational stop signal (p.Ser839*) in the EVC2 gene. It is expected to result in an absent or disrupted protein product. Loss-of-function variants in EVC2 are known to be pathogenic (PMID: 17024374, 19810119, 19876929). Information on the frequency of this variant in the gnomAD database is not available, as this variant may be reported differently in the database. This variant has not been reported in the literature in individuals affected with EVC2-related conditions. For these reasons, this variant has been classified as Pathogenic.

Literature cited by the submitters: PubMed 17024374; PubMed 19810119; PubMed 19876929.

NM_147127.5(EVC2):c.2516_2517delinsAG (p.Ser839Ter)

Gene: EVC2 (EvC ciliary complex subunit 2; minus strand). Cytogenetic location: 4p16.2.
Variant type: Indel.
Coding change: c.2516_2517delinsAG on transcript NM_147127.5 (MANE Select); coding-DNA positions 2516 to 2517, CA replaced by AG.
Protein change: p.Ser839Ter; replaces serine 839 with a stop codon.
Molecular consequence: nonsense.
Genome position (GRCh38, 1-based): chr4:5,618,667-5,618,668, TG replaced by CT on the plus strand (CA replaced by AG on the coding strand, the reverse complement: EVC2 is on the minus strand). VCF-style: chr4-5618667-TG-CT. GRCh37 (hg19) VCF-style: chr4-5620394-TG-CT.
Other names: c.2276_2277delinsAG, p.Ser759Ter (NM_001166136.2); short protein forms S839*, S759*.
Identifiers: ClinVar variation 2922401 (VCV002922401.3), dbSNP rs2475361354, ClinGen allele CA2740091127.